The following is an entry in ClinVar:

ClinVar aggregate classification (germline): Likely pathogenic. Review status: criteria provided, single submitter (1 of 4 stars). 2 submissions from 2 submitters: Likely pathogenic (1). 1 of the submissions does not count toward it. Last evaluated 2020-09-18.

Conditions:
TRNT1-related disorder. Also called: TRNT1-related condition; TRNT1-related disorders.

Submissions (2):

Blueprint Genetics
Classification: Likely pathogenic for TRNT1-related disorders. Last evaluated: 2020-09-18. Review status: criteria provided, single submitter. Criteria: ACMG Guidelines, 2015. Collection method: clinical testing. Allele origin: germline. Affected: yes. Observed: 1 variant allele.

PreventionGenetics, part of Exact Sciences
Classification: Likely pathogenic for TRNT1-related condition. Last evaluated: 2024-01-11. Review status: no assertion criteria provided. Collection method: clinical testing. Allele origin: germline. Not counted in ClinVar's aggregate classification.
Comment: The TRNT1 c.161_164dupAAGA variant is predicted to result in a frameshift and premature protein termination (p.Asn56Argfs*63). To our knowledge, this variant has not been reported in the literature. This variant is reported in 0.0019% of alleles in individuals of European (Non-Finnish) descent in gnomAD. Frameshift variants in TRNT1 are expected to be pathogenic. This variant is interpreted as likely pathogenic.

NM_182916.3(TRNT1):c.161_164dup (p.Asn56fs)

Gene: TRNT1 (tRNA nucleotidyl transferase 1; plus strand). Cytogenetic location: 3p26.2.
Variant type: Duplication.
Coding change: c.161_164dup on transcript NM_182916.3 (MANE Select); coding-DNA positions 161 to 164, 4 bases duplicated (AAGA; older notation c.161_164dupAAGA).
Protein change: p.Asn56fs; shifts the reading frame from asparagine 56.
Molecular consequence: frameshift variant. On other transcripts: non-coding transcript variant (8).
Genome position (GRCh38, 1-based): chr3:3,137,272-3,137,275, AAGA duplicated; duplicating any 4 consecutive bases within chr3:3,137,271-3,137,275 gives the same sequence; the c. name uses the placement nearest the transcript's 3' end. VCF-style (leftmost placement, unchanged base first): chr3-3137270-C-CAAAG. GRCh37 (hg19) VCF-style: chr3-3178954-C-CAAAG.
Other names: c.161_164dup, p.Asn56fs (NM_001302946.2, NM_001367321.1, NM_001367322.1 and 1 more transcripts); short protein forms N56fs.
Identifiers: ClinVar variation 3044827 (VCV003044827.3), dbSNP rs1421591155, ClinGen allele CA540770755.
Genomic context (GRCh38, chr3:3,137,270, plus strand): 5'-CATTGAAATAAAGAACTTGGGAATAAAAATCTTATTTTCTCTCATCTCAGAATTATTTGT[C>CAAAG]AAAGAGAATCACGAATTAAGAATAGCAGGAGGAGCAGTGAGGGATTTATTAAATGGAGTA-3'